The following is an entry in ClinVar:

NM_005419.4(STAT2):c.830A>G (p.Lys277Arg)

Gene: STAT2 (signal transducer and activator of transcription 2; minus strand). Cytogenetic location: 12q13.3.
Variant type: single nucleotide variant.
Coding change: c.830A>G on transcript NM_005419.4 (MANE Select); coding-DNA position 830, A replaced by G.
Protein change: p.Lys277Arg; replaces lysine 277 with arginine.
Molecular consequence: missense variant.
Genome position (GRCh38, 1-based): chr12:56,351,403, T>C on the plus strand (A>G on the coding strand, the complement: STAT2 is on the minus strand). VCF-style: chr12-56351403-T-C. GRCh37 (hg19) VCF-style: chr12-56745187-T-C.
Other names: c.818A>G, p.Lys273Arg (NM_001385110.1, NM_001385115.1, NM_198332.2); c.830A>G, p.Lys277Arg (NM_001385111.1, NM_001385113.1, NM_001385114.1); short protein forms K273R, K277R.
Identifiers: ClinVar variation 1486535 (VCV001486535.8), dbSNP rs910154908, ClinGen allele CA237652777.

ClinVar aggregate classification (germline): Uncertain significance (1 of 4 stars; one submission).

Conditions:
Primary immunodeficiency with post-measles-mumps-rubella vaccine viral infection. Also called: Immunodeficiency 44. Identifiers: Orphanet 431166, MedGen C4225260, MONDO:0014715, OMIM 616636.

Allele frequency attached by ClinVar (database versions not stated): TOPMed below 0.00001; gnomAD exomes 0.00002.
gnomAD v4.1: 27 of 1,614,068 alleles (0.0017%); highest among the groups gnomAD compares: Non-Finnish European, 0.0022%; no homozygotes.

Submission:

Labcorp Genetics (formerly Invitae), Labcorp
Classification: Uncertain significance for Primary immunodeficiency with post-measles-mumps-rubella vaccine viral infection. Last evaluated: 2021-03-26. Review status: criteria provided, single submitter. Criteria: Invitae Variant Classification Sherloc (09022015). Collection method: clinical testing. Allele origin: germline.
Comment: This sequence change replaces lysine with arginine at codon 277 of the STAT2 protein (p.Lys277Arg). The lysine residue is moderately conserved and there is a small physicochemical difference between lysine and arginine. This variant is not present in population databases (ExAC no frequency). In summary, the available evidence is currently insufficient to determine the role of this variant in disease. Therefore, it has been classified as a Variant of Uncertain Significance. Algorithms developed to predict the effect of missense changes on protein structure and function output the following: SIFT: "Tolerated"; PolyPhen-2: "Benign"; Align-GVGD: "Class C0". The arginine amino acid residue is found in multiple mammalian species, suggesting that this missense change does not adversely affect protein function. These predictions have not been confirmed by published functional studies and their clinical significance is uncertain. This variant has not been reported in the literature in individuals with STAT2-related conditions.